The following is an entry in ClinVar:

ClinVar aggregate classification (germline): Likely benign. Review status: criteria provided, multiple submitters, no conflicts (2 of 4 stars). 2 submissions from 2 submitters: Likely benign (2). Last evaluated 2024-11-01.

Conditions:
Autosomal recessive limb-girdle muscular dystrophy type 2J (LGMDR10). Also called: Limb-girdle muscular dystrophy, type 2J; MUSCULAR DYSTROPHY, LIMB-GIRDLE, AUTOSOMAL RECESSIVE 10. Identifiers: Orphanet 140922, MedGen C1837342, MONDO:0012127, OMIM 608807.
Dilated cardiomyopathy 1G (CMD1G). Identifiers: Orphanet 154, MedGen C1858763, MONDO:0011400, OMIM 604145.

Allele frequency attached by ClinVar (database versions not stated): TOPMed below 0.00001.

Submissions (2):

CeGaT Center for Human Genetics Tuebingen
Classification: Likely benign. Last evaluated: 2024-11-01. Review status: criteria provided, single submitter. Criteria: CeGaT Center For Human Genetics Tuebingen Variant Classification Criteria Version 2. Collection method: clinical testing. Allele origin: germline. Affected: yes. Observed: 1 variant allele.
Comment: TTN: PM2:Supporting, BP4, BP7

Labcorp Genetics (formerly Invitae), Labcorp
Classification: Likely benign for Dilated cardiomyopathy 1G; Autosomal recessive limb-girdle muscular dystrophy type 2J. Last evaluated: 2022-06-11. Review status: criteria provided, single submitter. Criteria: Invitae Variant Classification Sherloc (09022015). Collection method: clinical testing. Allele origin: germline.

NM_001267550.2(TTN):c.33813T>C (p.Ala11271=)

Gene: TTN (titin; minus strand). Cytogenetic location: 2q31.2.
Variant type: single nucleotide variant.
Coding change: c.33813T>C on transcript NM_001267550.2 (MANE Select); coding-DNA position 33813, T replaced by C.
Protein change: p.Ala11271=; no amino-acid change (alanine 11271 retained).
Molecular consequence: synonymous variant. On other transcripts: intron variant (3).
Genome position (GRCh38, 1-based): chr2:178,678,760, A>G on the plus strand (T>C on the coding strand, the complement: TTN is on the minus strand). VCF-style: chr2-178678760-A-G. GRCh37 (hg19) VCF-style: chr2-179543487-A-G.
Other names: c.32862T>C, p.Ala10954= (NM_001256850.1); c.30081T>C, p.Ala10027= (NM_133378.4); c.13283-36443T>C (NM_003319.4); c.13859-36443T>C (NM_133437.4); c.13658-36443T>C (NM_133432.3).
Identifiers: ClinVar variation 1613760 (VCV001613760.22), dbSNP rs1281755701, ClinGen allele CA430127655.
Genomic context (GRCh38, chr2:178,678,760, plus strand): 5'-TATGCAAATGTGAAATAAAAATATTGCAACATTGCAAGTTCATGTACCTTTGGCAGGTGG[A>G]GCTTCCACCTTTTTAGGAACTGGTACTGGTACTTTCTCCTCTGGCACAGGTTTCTTGGGC-3'
Protein context (NP_001254479.2, residues 11261-11281): VPVPVPKKVE[Ala11271=]PPAKVPEVPK